The following is an entry in ClinVar:

NM_001039111.3(TRIM71):c.2251C>G (p.Arg751Gly)

Gene: TRIM71 (tripartite motif containing 71; plus strand). Cytogenetic location: 3p22.3.
Variant type: single nucleotide variant.
Coding change: c.2251C>G on transcript NM_001039111.3 (MANE Select); coding-DNA position 2251, C replaced by G.
Protein change: p.Arg751Gly; replaces arginine 751 with glycine.
Molecular consequence: missense variant.
Genome position (GRCh38, 1-based): chr3:32,891,455, C>G. VCF-style: chr3-32891455-C-G. GRCh37 (hg19) VCF-style: chr3-32932947-C-G.
Other names: short protein forms R751G.
Identifiers: ClinVar variation 3338563 (VCV003338563.1).

ClinVar aggregate classification (germline): Uncertain significance (1 of 4 stars; one submission).

Submission:

Greenwood Genetic Center Diagnostic Laboratories, Greenwood Genetic Center
Classification: Uncertain significance. Last evaluated: 2024-04-08. Review status: criteria provided, single submitter. Criteria: ACMG Guidelines, 2015. Collection method: clinical testing. Allele origin: germline. Affected: yes.
Comment: Gene of Uncertain Significance